The following is an entry in ClinVar:

ClinVar aggregate classification (germline): Uncertain significance (1 of 4 stars; one submission).

gnomAD v4.1: 1 of 1,613,378 alleles (0.000062%); highest among the groups gnomAD compares: Non-Finnish European, 0.000085%; no homozygotes.

Submission:

Labcorp Genetics (formerly Invitae), Labcorp
Classification: Uncertain significance. Last evaluated: 2022-06-10. Review status: criteria provided, single submitter. Criteria: Invitae Variant Classification Sherloc (09022015). Collection method: clinical testing. Allele origin: germline.
Comment: In summary, the available evidence is currently insufficient to determine the role of this variant in disease. Therefore, it has been classified as a Variant of Uncertain Significance. Algorithms developed to predict the effect of missense changes on protein structure and function are either unavailable or do not agree on the potential impact of this missense change (SIFT: "Tolerated"; PolyPhen-2: "Not Available"; Align-GVGD: "Class C0"). This variant has not been reported in the literature in individuals affected with AGTR1-related conditions. This variant is not present in population databases (gnomAD no frequency). This sequence change replaces methionine, which is neutral and non-polar, with isoleucine, which is neutral and non-polar, at codon 278 of the AGTR1 protein (p.Met278Ile).

NM_000685.5(AGTR1):c.729G>T (p.Met243Ile)

Gene: AGTR1 (angiotensin II receptor type 1; plus strand). Cytogenetic location: 3q24.
Variant type: single nucleotide variant.
Coding change: c.729G>T on transcript NM_000685.5 (MANE Select); coding-DNA position 729, G replaced by T.
Protein change: p.Met243Ile; replaces methionine 243 with isoleucine.
Molecular consequence: missense variant.
Genome position (GRCh38, 1-based): chr3:148,741,764, G>T. VCF-style: chr3-148741764-G-T. GRCh37 (hg19) VCF-style: chr3-148459551-G-T.
Other names: c.729G>T, p.Met243Ile (NM_001382736.1, NM_001382737.1, NM_004835.5 and 3 more transcripts); short protein forms M243I.
Identifiers: ClinVar variation 1996385 (VCV001996385.4), dbSNP rs752880266, ClinGen allele CA354888844.